The following is an entry in ClinVar:

NM_002439.5(MSH3):c.2485G>C (p.Ala829Pro)

Gene: MSH3 (mutS homolog 3; plus strand). Cytogenetic location: 5q14.1.
Variant type: single nucleotide variant.
Coding change: c.2485G>C on transcript NM_002439.5 (MANE Select); coding-DNA position 2485, G replaced by C.
Protein change: p.Ala829Pro; replaces alanine 829 with proline.
Molecular consequence: missense variant.
Genome position (GRCh38, 1-based): chr5:80,787,614, G>C. VCF-style: chr5-80787614-G-C. GRCh37 (hg19) VCF-style: chr5-80083433-G-C.
Other names: short protein forms A829P.
Identifiers: ClinVar variation 3296254 (VCV003296254.1).

ClinVar aggregate classification (germline): Uncertain significance (1 of 4 stars; one submission).

Conditions:
Hereditary cancer-predisposing syndrome. Also called: Tumor predisposition; Hereditary Cancer Syndrome; Hereditary neoplastic syndrome; Neoplastic Syndromes, Hereditary. Identifiers: Orphanet 140162, MedGen C0027672, MeSH D009386, MONDO:0015356.

Submission:

Ambry Genetics
Classification: Uncertain significance for Hereditary cancer-predisposing syndrome. Last evaluated: 2024-04-05. Review status: criteria provided, single submitter. Criteria: Ambry Variant Classification Scheme 2023. Collection method: clinical testing. Allele origin: germline.
Comment: The p.A829P variant (also known as c.2485G>C), located in coding exon 18 of the MSH3 gene, results from a G to C substitution at nucleotide position 2485. The alanine at codon 829 is replaced by proline, an amino acid with highly similar properties. This amino acid position is conserved. In addition, this alteration is predicted to be deleterious by in silico analysis. Based on the available evidence, the clinical significance of this variant remains unclear.